The following is an entry in ClinVar:

NM_033026.6(PCLO):c.12668G>A (p.Ser4223Asn)

Gene: PCLO (piccolo presynaptic cytomatrix protein; minus strand). Cytogenetic location: 7q21.11.
Variant type: single nucleotide variant.
Coding change: c.12668G>A on transcript NM_033026.6 (MANE Select); coding-DNA position 12668, G replaced by A.
Protein change: p.Ser4223Asn; replaces serine 4223 with asparagine.
Molecular consequence: missense variant.
Genome position (GRCh38, 1-based): chr7:82,915,318, C>T on the plus strand (G>A on the coding strand, the complement: PCLO is on the minus strand). VCF-style: chr7-82915318-C-T. GRCh37 (hg19) VCF-style: chr7-82544634-C-T.
Other names: c.12668G>A, p.Ser4223Asn (NM_014510.3); short protein forms S4223N.
Identifiers: ClinVar variation 1422474 (VCV001422474.4), dbSNP rs762277050, ClinGen allele CA4319337.

ClinVar aggregate classification (germline): Uncertain significance (1 of 4 stars; one submission).

Allele frequency attached by ClinVar (database versions not stated): ExAC 0.00001; gnomAD 0.00001; gnomAD exomes 0.00002.
gnomAD v4.1: 33 of 1,613,458 alleles (0.002%); highest among the groups gnomAD compares: Non-Finnish European, 0.0021%; no homozygotes.

Submission:

Labcorp Genetics (formerly Invitae), Labcorp
Classification: Uncertain significance. Last evaluated: 2023-08-10. Review status: criteria provided, single submitter. Criteria: Invitae Variant Classification Sherloc (09022015). Collection method: clinical testing. Allele origin: germline.
Comment: In summary, the available evidence is currently insufficient to determine the role of this variant in disease. Therefore, it has been classified as a Variant of Uncertain Significance. Experimental studies and prediction algorithms are not available or were not evaluated, and the functional significance of this variant is currently unknown. ClinVar contains an entry for this variant (Variation ID: 1422474). This variant has not been reported in the literature in individuals affected with PCLO-related conditions. This variant is present in population databases (rs762277050, gnomAD 0.008%). This sequence change replaces serine, which is neutral and polar, with asparagine, which is neutral and polar, at codon 4223 of the PCLO protein (p.Ser4223Asn).